The following is an entry in ClinVar:

ClinVar aggregate classification (germline): Likely pathogenic (1 of 4 stars; one submission).

Conditions:
Diastrophic dysplasia (DTD). Also called: Diastrophic dwarfism. Identifiers: Orphanet 628, MedGen C0220726, MONDO:0009107, OMIM 222600.

Submission:

Laboratory of Functional Genomics, Research Centre for Medical Genetics
Classification: Likely pathogenic for Diastrophic dysplasia. Last evaluated: 2025-11-25. Review status: criteria provided, single submitter. Criteria: ACMG Guidelines, 2015. Collection method: clinical testing. Allele origin: germline. Inheritance: Autosomal recessive inheritance. Affected: yes. Observed: 1 variant allele.
Comment: This variant does not present in the gnomAD v4.1.0 database. The pathogenic effect of the variant p.(Gly484Arg) is confirmed by the results of more than three in silico prediction programs. A novel missense change was detected at an amino acid residue where a different missense change (p.Gly484Asp) has been reported as pathogenic (Rossi et al., 2001).

Literature cited by the submitters: PubMed 11241838.

NM_000112.4(SLC26A2):c.1450G>C (p.Gly484Arg)

Gene: SLC26A2 (solute carrier family 26 member 2; plus strand). Cytogenetic location: 5q32.
Variant type: single nucleotide variant.
Coding change: c.1450G>C on transcript NM_000112.4 (MANE Select); coding-DNA position 1450, G replaced by C.
Protein change: p.Gly484Arg; replaces glycine 484 with arginine.
Molecular consequence: missense variant.
Genome position (GRCh38, 1-based): chr5:149,981,043, G>C. VCF-style: chr5-149981043-G-C. GRCh37 (hg19) VCF-style: chr5-149360606-G-C.
Other names: short protein forms G484R.
Identifiers: ClinVar variation 4823937 (VCV004823937.1).